The following is an entry in ClinVar:

ClinVar aggregate classification (germline): Uncertain significance (1 of 4 stars; one submission).

Allele frequency attached by ClinVar (database versions not stated): gnomAD exomes below 0.00001.
gnomAD v4.1: 3 of 1,614,058 alleles (0.00019%); highest among the groups gnomAD compares: Non-Finnish European, 0.00025%; no homozygotes.

Submission:

Labcorp Genetics (formerly Invitae), Labcorp
Classification: Uncertain significance. Last evaluated: 2025-05-05. Review status: criteria provided, single submitter. Criteria: Invitae Variant Classification Sherloc (09022015). Collection method: clinical testing. Allele origin: germline.
Comment: This sequence change replaces aspartic acid, which is acidic and polar, with asparagine, which is neutral and polar, at codon 48 of the SEMA4A protein (p.Asp48Asn). This variant is not present in population databases (gnomAD no frequency). This variant has not been reported in the literature in individuals affected with SEMA4A-related conditions. ClinVar contains an entry for this variant (Variation ID: 2104380). An algorithm developed to predict the effect of missense changes on protein structure and function (PolyPhen-2) suggests that this variant is likely to be disruptive. In summary, the available evidence is currently insufficient to determine the role of this variant in disease. Therefore, it has been classified as a Variant of Uncertain Significance.

NM_022367.4(SEMA4A):c.142G>A (p.Asp48Asn)

Gene: SEMA4A (semaphorin 4A; plus strand). Cytogenetic location: 1q22.
Variant type: single nucleotide variant.
Coding change: c.142G>A on transcript NM_022367.4 (MANE Select); coding-DNA position 142, G replaced by A.
Protein change: p.Asp48Asn; replaces aspartic acid 48 with asparagine.
Molecular consequence: missense variant. On other transcripts: 5 prime UTR variant (4).
Genome position (GRCh38, 1-based): chr1:156,156,416, G>A. VCF-style: chr1-156156416-G-A. GRCh37 (hg19) VCF-style: chr1-156126207-G-A.
Other names: c.142G>A, p.Asp48Asn (NM_001193300.2, NM_001193301.2, NM_001370567.1); c.-156G>A (NM_001193302.2, NM_001370568.1); c.-383G>A (NM_001370569.1, NM_001370571.1); short protein forms D48N.
Identifiers: ClinVar variation 2104380 (VCV002104380.4), dbSNP rs2528118883, ClinGen allele CA342834454.